The following is an entry in ClinVar:

NM_017534.6(MYH2):c.443G>A (p.Arg148His)

Genes: MYH2 (myosin heavy chain 2; minus strand), MYHAS (myosin heavy chain gene cluster antisense RNA; plus strand). Cytogenetic location: 17p13.1.
Variant type: single nucleotide variant.
Coding change: c.443G>A on transcript NM_017534.6 (MANE Select); coding-DNA position 443, G replaced by A.
Protein change: p.Arg148His; replaces arginine 148 with histidine.
Molecular consequence: missense variant.
Genome position (GRCh38, 1-based): chr17:10,545,408, C>T on the plus strand (G>A on the coding strand, the complement: MYH2 is on the minus strand). VCF-style: chr17-10545408-C-T. GRCh37 (hg19) VCF-style: chr17-10448725-C-T.
Other names: c.443G>A, p.Arg148His (NM_001100112.2); short protein forms R148H.
Identifiers: ClinVar variation 2732454 (VCV002732454.3), dbSNP rs199911453, ClinGen allele CA8391641.

ClinVar aggregate classification (germline): Uncertain significance (1 of 4 stars; one submission).

Conditions:
Myopathy, proximal, and ophthalmoplegia (CMYO6). Also called: INCLUSION BODY MYOPATHY 3, AUTOSOMAL DOMINANT; MYOPATHY WITH CONGENITAL JOINT CONTRACTURES, OPHTHALMOPLEGIA, AND RIMMED VACUOLES; CONGENITAL MYOPATHY 6 WITH OPHTHALMOPLEGIA. Identifiers: Orphanet 363677, Orphanet 79091, MedGen C1854106, MONDO:0011577, OMIM 605637.

Allele frequency attached by ClinVar (database versions not stated): gnomAD exomes 0.00001; TOPMed 0.00002.
gnomAD v4.1: 13 of 1,613,964 alleles (0.00081%); highest among the groups gnomAD compares: East Asian, 0.013%; no homozygotes.

Submission:

Labcorp Genetics (formerly Invitae), Labcorp
Classification: Uncertain significance for Myopathy, proximal, and ophthalmoplegia. Last evaluated: 2025-10-23. Review status: criteria provided, single submitter. Criteria: Invitae Variant Classification Sherloc (09022015). Collection method: clinical testing. Allele origin: germline.
Comment: This sequence change replaces arginine, which is basic and polar, with histidine, which is basic and polar, at codon 148 of the MYH2 protein (p.Arg148His). This variant is present in population databases (rs199911453, gnomAD 0.02%). This variant has not been reported in the literature in individuals affected with MYH2-related conditions. ClinVar contains an entry for this variant (Variation ID: 2732454). Invitae Evidence Modeling of protein sequence and biophysical properties (such as structural, functional, and spatial information, amino acid conservation, physicochemical variation, residue mobility, and thermodynamic stability) indicates that this missense variant is expected to disrupt MYH2 protein function with a positive predictive value of 80%. In summary, the available evidence is currently insufficient to determine the role of this variant in disease. Therefore, it has been classified as a Variant of Uncertain Significance.